The following is an entry in ClinVar:

ClinVar aggregate classification (germline): Likely benign. Review status: criteria provided, multiple submitters, no conflicts (2 of 4 stars). 2 submissions from 2 submitters: Likely benign (2). Last evaluated 2026-04-03.

Conditions:
Nephronophthisis. Also called: Juvenile Nephronophthisis. Identifiers: Orphanet 655, MedGen C0687120, MONDO:0019005, HP:0000090.
NPHP1-related disorder. Also called: NPHP1-related condition; NPHP1-related disorders.

Allele frequency attached by ClinVar (database versions not stated): ExAC 0.00001; gnomAD exomes 0.00001.
gnomAD v4.1: 3 of 1,613,870 alleles (0.00019%); highest among the groups gnomAD compares: Admixed American, 0.005%; no homozygotes.

Submissions (2):

PreventionGenetics, part of Exact Sciences
Classification: Likely benign for NPHP1-related condition. Last evaluated: 2026-04-03. Review status: criteria provided, single submitter. Criteria: ACMG Guidelines, 2015. Collection method: clinical testing. Allele origin: germline.
Comment: This variant is classified as likely benign based on ACMG/AMP sequence variant interpretation guidelines (Richards et al. 2015 PMID: 25741868, with internal and published modifications).

Labcorp Genetics (formerly Invitae), Labcorp
Classification: Likely benign for Nephronophthisis. Last evaluated: 2025-09-15. Review status: criteria provided, single submitter. Criteria: Invitae Variant Classification Sherloc (09022015). Collection method: clinical testing. Allele origin: germline.

NM_001128178.3(NPHP1):c.288G>T (p.Leu96=)

Gene: NPHP1 (nephrocystin 1; minus strand). Cytogenetic location: 2q13.
Variant type: single nucleotide variant.
Coding change: c.288G>T on transcript NM_001128178.3 (MANE Select); coding-DNA position 288, G replaced by T.
Protein change: p.Leu96=; no amino-acid change (leucine 96 retained).
Molecular consequence: synonymous variant. On other transcripts: intron variant (1).
Genome position (GRCh38, 1-based): chr2:110,178,464, C>A on the plus strand (G>T on the coding strand, the complement: NPHP1 is on the minus strand). VCF-style: chr2-110178464-C-A. GRCh37 (hg19) VCF-style: chr2-110936041-C-A.
Other names: c.288G>T, p.Leu96= (NM_000272.5, NM_001374256.1, NM_001374257.1 and 1 more transcripts); c.144-8466G>T (NM_001128179.3); c.288G>T (NM_000272.3).
Identifiers: ClinVar variation 1099064 (VCV001099064.10), dbSNP rs758059337, ClinGen allele CA1827451.